The following is an entry in ClinVar:

ClinVar aggregate classification (germline): Likely benign. Review status: criteria provided, multiple submitters, no conflicts (2 of 4 stars). 2 submissions from 2 submitters: Likely benign (2). Last evaluated 2026-01-22.

Conditions:
AP3B2-related disorder. Also called: AP3B2-related condition.

Allele frequency attached by ClinVar (database versions not stated): gnomAD exomes below 0.00001.
gnomAD v4.1: 1 of 1,613,358 alleles (0.000062%); highest among the groups gnomAD compares: Admixed American, 0.0017%; no homozygotes.

Submissions (2):

PreventionGenetics, part of Exact Sciences
Classification: Likely benign for AP3B2-related condition. Last evaluated: 2026-01-22. Review status: criteria provided, single submitter. Criteria: ACMG Guidelines, 2015. Collection method: clinical testing. Allele origin: germline.
Comment: This variant is classified as likely benign based on ACMG/AMP sequence variant interpretation guidelines (Richards et al. 2015 PMID: 25741868, with internal and published modifications).

Labcorp Genetics (formerly Invitae), Labcorp
Classification: Likely benign. Last evaluated: 2024-10-20. Review status: criteria provided, single submitter. Criteria: Invitae Variant Classification Sherloc (09022015). Collection method: clinical testing. Allele origin: germline.

NM_001278512.2(AP3B2):c.1665+10A>G

Genes: AP3B2 (adaptor related protein complex 3 subunit beta 2; minus strand), CPEB1-AS1 (CPEB1 antisense RNA 1; plus strand). Cytogenetic location: 15q25.2.
Variant type: single nucleotide variant.
Coding change: c.1665+10A>G on transcript NM_001278512.2 (MANE Select); 10 bases into the intron after coding-DNA position 1665, A replaced by G.
Molecular consequence: intron variant.
Genome position (GRCh38, 1-based): chr15:82,676,451, T>C on the plus strand (A>G on the coding strand, the complement: AP3B2 is on the minus strand). VCF-style: chr15-82676451-T-C. GRCh37 (hg19) VCF-style: chr15-83345203-T-C.
Other names: c.1569+10A>G (NM_001278511.2); c.1665+10A>G (NM_004644.5, NM_004644.4).
Identifiers: ClinVar variation 3012194 (VCV003012194.4), dbSNP rs1407869719, ClinGen allele CA619005979.